The following is an entry in ClinVar:

NM_014141.6(CNTNAP2):c.268G>C (p.Gly90Arg)

Gene: CNTNAP2 (contactin associated protein 2; plus strand). Cytogenetic location: 7q35.
Variant type: single nucleotide variant.
Coding change: c.268G>C on transcript NM_014141.6 (MANE Select); coding-DNA position 268, G replaced by C.
Protein change: p.Gly90Arg; replaces glycine 90 with arginine.
Molecular consequence: missense variant.
Genome position (GRCh38, 1-based): chr7:146,839,770, G>C. VCF-style: chr7-146839770-G-C. GRCh37 (hg19) VCF-style: chr7-146536862-G-C.
Other names: short protein forms G90R.
Identifiers: ClinVar variation 392019 (VCV000392019.2), dbSNP rs1057524325, ClinGen allele CA16605145.
Genomic context (GRCh38, chr7:146,839,770, plus strand): 5'-GGTGCTGGGGGATGGTCTCCATCAGACAGCGACCATTATCAATGGCTTCAGGTTGACTTT[G>C]GCAATCGGAAGCAGATCAGTGCCATTGCAACCCAAGGAAGGTATAGCAGCTCAGATTGGG-3'
Protein context (NP_054860.1, residues 80-100): DHYQWLQVDF[Gly90Arg]NRKQISAIAT

ClinVar aggregate classification (germline): Uncertain significance (1 of 4 stars; one submission).

Allele frequency attached by ClinVar (database versions not stated): TOPMed below 0.00001 and 0.00001; gnomAD 0.00001.
gnomAD v4.1: 12 of 1,614,042 alleles (0.00074%); highest among the groups gnomAD compares: Non-Finnish European, 0.00085%; no homozygotes.

Submission:

GeneDx
Classification: Uncertain significance. Last evaluated: 2016-12-21. Review status: criteria provided, single submitter. Criteria: GeneDx Variant Classification (06012015). Collection method: clinical testing. Allele origin: germline. Affected: yes.
Comment: A variant of uncertain significance has been identified in the CNTNAP2 gene. The G90R variant has not been published as a pathogenic variant, nor has it been reported as a benign variant to our knowledge. The G90R variant is not observed in large population cohorts (Lek et al., 2016; 1000 Genomes Consortium et al., 2015; Exome Variant Server). The G90R variant is a non-conservative amino acid substitution, which is likely to impact secondary protein structure as these residues differ in polarity, charge, size and/or other properties. This substitution occurs at a position that is conserved across species, and in silico analysis predicts this variant is probably damaging to the protein structure/function. Based on the currently available information, it is unclear whether this variant is a pathogenic variant or a rare benign variant.